The following is an entry in ClinVar:

NM_001135649.3(FOXI3):c.1010G>A (p.Ser337Asn)

Gene: FOXI3 (forkhead box I3; minus strand). Cytogenetic location: 2p11.2.
Variant type: single nucleotide variant.
Coding change: c.1010G>A on transcript NM_001135649.3 (MANE Select); coding-DNA position 1010, G replaced by A.
Protein change: p.Ser337Asn; replaces serine 337 with asparagine.
Molecular consequence: missense variant.
Genome position (GRCh38, 1-based): chr2:88,448,460, C>T on the plus strand (G>A on the coding strand, the complement: FOXI3 is on the minus strand). VCF-style: chr2-88448460-C-T. GRCh37 (hg19) VCF-style: chr2-88747979-C-T.
Other names: short protein forms S337N.
Identifiers: ClinVar variation 2867994 (VCV002867994.3), dbSNP rs765558836, ClinGen allele CA1753977.

ClinVar aggregate classification (germline): Uncertain significance (1 of 4 stars; one submission).

Allele frequency attached by ClinVar (database versions not stated): gnomAD exomes below 0.00001; ExAC 0.00010.

Submission:

Labcorp Genetics (formerly Invitae), Labcorp
Classification: Uncertain significance. Last evaluated: 2024-02-02. Review status: criteria provided, single submitter. Criteria: Invitae Variant Classification Sherloc (09022015). Collection method: clinical testing. Allele origin: germline.
Comment: This sequence change replaces serine, which is neutral and polar, with asparagine, which is neutral and polar, at codon 337 of the FOXI3 protein (p.Ser337Asn). This variant is present in population databases (rs765558836, gnomAD 0.009%). This variant has not been reported in the literature in individuals affected with FOXI3-related conditions. Experimental studies and prediction algorithms are not available or were not evaluated, and the functional significance of this variant is currently unknown. In summary, the available evidence is currently insufficient to determine the role of this variant in disease. Therefore, it has been classified as a Variant of Uncertain Significance.